The following is an entry in ClinVar:

NM_144670.6(A2ML1):c.1805G>C (p.Arg602Thr)

Gene: A2ML1 (alpha-2-macroglobulin like 1; plus strand). Cytogenetic location: 12p13.31.
Variant type: single nucleotide variant.
Coding change: c.1805G>C on transcript NM_144670.6 (MANE Select); coding-DNA position 1805, G replaced by C.
Protein change: p.Arg602Thr; replaces arginine 602 with threonine.
Molecular consequence: missense variant.
Genome position (GRCh38, 1-based): chr12:8,847,670, G>C. VCF-style: chr12-8847670-G-C. GRCh37 (hg19) VCF-style: chr12-9000266-G-C.
Other names: c.332G>C, p.Arg111Thr (NM_001282424.3); short protein forms R602T, R111T.
Identifiers: ClinVar variation 1996503 (VCV001996503.4), dbSNP rs1020523735, ClinGen allele CA383829846.

ClinVar aggregate classification (germline): Uncertain significance (1 of 4 stars; one submission).

Submission:

Labcorp Genetics (formerly Invitae), Labcorp
Classification: Uncertain significance. Last evaluated: 2022-05-19. Review status: criteria provided, single submitter. Criteria: Invitae Variant Classification Sherloc (09022015). Collection method: clinical testing. Allele origin: germline.
Comment: In summary, the available evidence is currently insufficient to determine the role of this variant in disease. Therefore, it has been classified as a Variant of Uncertain Significance. Algorithms developed to predict the effect of missense changes on protein structure and function are either unavailable or do not agree on the potential impact of this missense change (SIFT: "Tolerated"; PolyPhen-2: "Possibly Damaging"; Align-GVGD: "Class C0"). This variant has not been reported in the literature in individuals affected with A2ML1-related conditions. This variant is not present in population databases (gnomAD no frequency). This sequence change replaces arginine, which is basic and polar, with threonine, which is neutral and polar, at codon 602 of the A2ML1 protein (p.Arg602Thr).